The following is an entry in ClinVar:

ClinVar aggregate classification (germline): Likely benign (1 of 4 stars; one submission).

Conditions:
ANO6-related disorder. Also called: ANO6-related condition.

gnomAD v4.1: 191 of 1,546,424 alleles (0.012%); highest among the groups gnomAD compares: African/African-American, 0.15%; no homozygotes.

Submission:

PreventionGenetics, part of Exact Sciences
Classification: Likely benign for ANO6-related condition. Last evaluated: 2025-07-17. Review status: criteria provided, single submitter. Criteria: ACMG Guidelines, 2015. Collection method: clinical testing. Allele origin: germline.
Comment: This variant is classified as likely benign based on ACMG/AMP sequence variant interpretation guidelines (Richards et al. 2015 PMID: 25741868, with internal and published modifications).

NM_001142679.2(ANO6):c.2587C>T (p.Arg863Cys)

Gene: ANO6 (anoctamin 6; plus strand). Cytogenetic location: 12q12.
Variant type: single nucleotide variant.
Coding change: c.2587C>T on transcript NM_001142679.2; coding-DNA position 2587, C replaced by T.
Protein change: p.Arg863Cys; replaces arginine 863 with cysteine.
Molecular consequence: missense variant.
Genome position (GRCh38, 1-based): chr12:45,439,735, C>T. VCF-style: chr12-45439735-C-T. GRCh37 (hg19) VCF-style: chr12-45833518-C-T.
Other names: short protein forms R863C.
Identifiers: ClinVar variation 4981870 (VCV004981870.1).
Genomic context (GRCh38, chr12:45,439,735, plus strand): 5'-TATCTCGCTTTGTTGCCCAGGCTGGGACACAGTGGCATGATCTTGGCTCACTGCAACCTC[C>T]GCCTCCCAGTTGACTGCTGTATGTGTTATAGGTTTGTCGATGAAATTAGACTTTTGGAAC-3'